The following is an entry in ClinVar:

NM_138694.4(PKHD1):c.4485del (p.Ser1496fs)

Gene: PKHD1 (PKHD1 ciliary IPT domain containing fibrocystin/polyductin; minus strand). Cytogenetic location: 6p12.2.
Variant type: Deletion.
Coding change: c.4485del on transcript NM_138694.4 (MANE Select); coding-DNA position 4485, one base deleted (C; older notation c.4485delC).
Protein change: p.Ser1496fs; shifts the reading frame from serine 1496.
Molecular consequence: frameshift variant.
Genome position (GRCh38, 1-based): chr6:52,025,325, G deleted on the plus strand (C on the coding strand, the reverse complement: PKHD1 is on the minus strand); the first of 2 consecutive G bases (chr6:52,025,325-52,025,326); deleting either gives the same sequence. VCF-style (leftmost placement, unchanged base first): chr6-52025324-TG-T. GRCh37 (hg19) VCF-style: chr6-51890122-TG-T.
Other names: c.4485del, p.Ser1496fs (NM_170724.3); c.4485delC (NM_138694.3); short protein forms S1496fs.
Identifiers: ClinVar variation 627590 (VCV000627590.4), dbSNP rs1325403863, ClinGen allele CA825735029.
Genomic context (GRCh38, chr6:52,025,324, plus strand): 5'-GCTCATCAGCTGTGGTGGCTAACCTCTGACCCCTAATCAGCACAGTGGTCAGAGACCCAC[TG>T]GTGTTTGTGGACAAGGCATCCATGACAGGACTTGCCTCTTCCCTTATGAAAAGAGTGCAA-3'

ClinVar aggregate classification (germline): Pathogenic. Review status: criteria provided, multiple submitters, no conflicts (2 of 4 stars). 3 submissions from 3 submitters: Pathogenic (3). Last evaluated 2025-02-19.

Conditions:
Polycystic kidney disease 4 (PKD4). Also called: POLYCYSTIC KIDNEY AND HEPATIC DISEASE 1; POLYCYSTIC KIDNEY DISEASE, INFANTILE, TYPE I; PKD3; POLYCYSTIC KIDNEY DISEASE 4 WITH OR WITHOUT POLYCYSTIC LIVER DISEASE; Autosomal Recessive Polycystic Kidney Disease – PKHD1. Identifiers: MedGen C4540575, MONDO:0033004, OMIM 263200.
Autosomal recessive polycystic kidney disease (ARPKD). Also called: AR polycystic kidney disease. Identifiers: Orphanet 731, Orphanet 8378, MedGen C0085548, MeSH D017044, MONDO:0009889.

Submissions (3):

Natera, Inc.
Classification: Pathogenic for Autosomal recessive polycystic kidney disease. Last evaluated: 2025-02-19. Review status: criteria provided, single submitter. Criteria: Natera Variant Classification Schema (03/2026). Collection method: clinical testing. Allele origin: germline.
Comment: The c.4485delC variant in PKHD1 is a frameshift variant predicted to shift the reading frame beginning at codon 1496 and leads to a stop codon 4 codons downstream. This variant is expected to result in nonsense mediated decay, truncation, or a dysfunctional protein product. This variant is rare in the general population with a frequency below the threshold expected for the associated phenotype(s). This variant has been observed in one or more individuals affected with the associated recessive disease, as either homozygous or compound heterozygous with a second variant (PMID: 31829256). Given the available evidence, this variant is classified as Pathogenic.

Myriad Genetics, Inc.
Classification: Pathogenic for Polycystic kidney disease 4. Last evaluated: 2024-04-23. Review status: criteria provided, single submitter. Criteria: Myriad Autosomal Dominant, Autosomal Recessive and X-Linked Classification Criteria (2023). Collection method: clinical testing. Allele origin: unknown.
Comment: NM_138694.3(PKHD1):c.4485delC(S1496Vfs*4) is expected to be pathogenic in the context of autosomal recessive polycystic kidney disease, PKHD1-related. This variant is predicted to lead to an abnormal or absent protein product due to the creation of a premature termination codon in PKHD1, a gene where loss-of-function variants are known to be pathogenic. Please note: this variant was assessed in the context of healthy population screening.

Center of Genomic medicine, Geneva, University Hospital of Geneva
Classification: Pathogenic for Autosomal recessive polycystic kidney disease. Last evaluated: 2018-05-15. Review status: criteria provided, single submitter. Criteria: ACMG Guidelines, 2015. Collection method: clinical testing. Allele origin: paternal. Affected: yes.

Literature cited by the submitters: PubMed 31829256 (cited by Natera, Inc.).